The following is an entry in ClinVar:

NM_000135.4(FANCA):c.2701G>A (p.Ala901Thr)

Gene: FANCA (FA complementation group A; minus strand). Cytogenetic location: 16q24.3.
Variant type: single nucleotide variant.
Coding change: c.2701G>A on transcript NM_000135.4 (MANE Select); coding-DNA position 2701, G replaced by A.
Protein change: p.Ala901Thr; replaces alanine 901 with threonine.
Molecular consequence: missense variant.
Genome position (GRCh38, 1-based): chr16:89,764,967, C>T on the plus strand (G>A on the coding strand, the complement: FANCA is on the minus strand). VCF-style: chr16-89764967-C-T. GRCh37 (hg19) VCF-style: chr16-89831375-C-T.
Other names: c.2701G>A, p.Ala901Thr (NM_001286167.3); short protein forms A901T.
Identifiers: ClinVar variation 4254344 (VCV004254344.1).

ClinVar aggregate classification (germline): Uncertain significance (1 of 4 stars; one submission).

Conditions:
Inborn genetic diseases. Identifiers: MedGen C0950123, MeSH D030342.

Submission:

Ambry Genetics
Classification: Uncertain significance for Inborn genetic diseases. Last evaluated: 2025-09-10. Review status: criteria provided, single submitter. Criteria: Ambry Variant Classification Scheme 2023. Collection method: clinical testing. Allele origin: germline.
Comment: The p.A901T variant (also known as c.2701G>A), located in coding exon 28 of the FANCA gene, results from a G to A substitution at nucleotide position 2701. The alanine at codon 901 is replaced by threonine, an amino acid with similar properties. This amino acid position is conserved. In addition, this alteration is predicted to be tolerated by in silico analysis. Based on the available evidence, the clinical significance of this variant remains unclear.